The following is an entry in ClinVar:

NM_006231.4(POLE):c.341G>T (p.Arg114Leu)

Gene: POLE (DNA polymerase epsilon, catalytic subunit; minus strand). Cytogenetic location: 12q24.33.
Variant type: single nucleotide variant.
Coding change: c.341G>T on transcript NM_006231.4 (MANE Select); coding-DNA position 341, G replaced by T.
Protein change: p.Arg114Leu; replaces arginine 114 with leucine.
Molecular consequence: missense variant.
Genome position (GRCh38, 1-based): chr12:132,680,036, C>A on the plus strand (G>T on the coding strand, the complement: POLE is on the minus strand). VCF-style: chr12-132680036-C-A. GRCh37 (hg19) VCF-style: chr12-133256622-C-A.
Other names: short protein forms R114L.
Identifiers: ClinVar variation 2844337 (VCV002844337.3), dbSNP rs375785166, ClinGen allele CA387368342.

ClinVar aggregate classification (germline): Uncertain significance (1 of 4 stars; one submission).

Submission:

Labcorp Genetics (formerly Invitae), Labcorp
Classification: Uncertain significance. Last evaluated: 2023-03-09. Review status: criteria provided, single submitter. Criteria: Invitae Variant Classification Sherloc (09022015). Collection method: clinical testing. Allele origin: germline.
Comment: This sequence change replaces arginine, which is basic and polar, with leucine, which is neutral and non-polar, at codon 114 of the POLE protein (p.Arg114Leu). This variant is not present in population databases (gnomAD no frequency). This variant has not been reported in the literature in individuals affected with POLE-related conditions. Advanced modeling of protein sequence and biophysical properties (such as structural, functional, and spatial information, amino acid conservation, physicochemical variation, residue mobility, and thermodynamic stability) performed at Invitae indicates that this missense variant is not expected to disrupt POLE protein function. Algorithms developed to predict the effect of sequence changes on RNA splicing suggest that this variant may create or strengthen a splice site. In summary, the available evidence is currently insufficient to determine the role of this variant in disease. Therefore, it has been classified as a Variant of Uncertain Significance.